The following is an entry in ClinVar:

NM_000321.3(RB1):c.446C>T (p.Ser149Leu)

Gene: RB1 (RB transcriptional corepressor 1; plus strand). Cytogenetic location: 13q14.2.
Variant type: single nucleotide variant.
Coding change: c.446C>T on transcript NM_000321.3 (MANE Select); coding-DNA position 446, C replaced by T.
Protein change: p.Ser149Leu; replaces serine 149 with leucine.
Molecular consequence: missense variant.
Genome position (GRCh38, 1-based): chr13:48,345,145, C>T. VCF-style: chr13-48345145-C-T. GRCh37 (hg19) VCF-style: chr13-48919281-C-T.
Other names: short protein forms S149L.
Identifiers: ClinVar variation 851675 (VCV000851675.14), dbSNP rs587778870, ClinGen allele CA038186.

ClinVar aggregate classification (germline): Conflicting classifications of pathogenicity. Review status: criteria provided, conflicting classifications (1 of 4 stars). 4 submissions from 4 submitters: Uncertain significance (1); Likely benign (3). Last evaluated 2026-06-18.

Conditions:
Retinoblastoma (RB1). Also called: RETINOBLASTOMA, SOMATIC. Identifiers: Orphanet 790, MedGen C0035335, MeSH D012175, MONDO:0008380, OMIM 180200, HP:0009919. Disease mechanism: loss of function. Inheritance: Both sporadic and heritable forms are tested..
Hereditary cancer-predisposing syndrome. Also called: Neoplastic Syndromes, Hereditary; Tumor predisposition; Hereditary neoplastic syndrome; Hereditary Cancer Syndrome. Identifiers: Orphanet 140162, MedGen C0027672, MeSH D009386, MONDO:0015356.
Malignant tumor of urinary bladder. Also called: Bladder cancer; Urinary Bladder Neoplasms; Urinary bladder cancer. Identifiers: MedGen C0005684, MONDO:0001187, OMIM 109800.

Allele frequency attached by ClinVar (database versions not stated): gnomAD exomes below 0.00001 and 0.00002; ExAC 0.00002; TOPMed 0.00005; gnomAD 0.00005 and 0.00006.
gnomAD v4.1: 13 of 1,612,740 alleles (0.00081%); highest among the groups gnomAD compares: African/African-American, 0.016%; no homozygotes.

Submissions (4):

Myriad Genetics, Inc.
Classification: Likely benign for Retinoblastoma. Last evaluated: 2026-06-18. Review status: criteria provided, single submitter. Criteria: Myriad Autosomal Dominant, Autosomal Recessive and X-Linked Classification Criteria (2023). Collection method: clinical testing. Allele origin: unknown.
Comment: This variant is considered likely benign. This variant has been observed at a population frequency that is significantly greater than expected given the associated disease prevalence and penetrance.

Labcorp Genetics (formerly Invitae), Labcorp
Classification: Likely benign for Retinoblastoma. Last evaluated: 2026-01-05. Review status: criteria provided, single submitter. Criteria: Invitae Variant Classification Sherloc (09022015). Collection method: clinical testing. Allele origin: germline.

Baylor Genetics
Classification: Uncertain significance for Malignant tumor of urinary bladder. Last evaluated: 2023-11-08. Review status: criteria provided, single submitter. Criteria: ACMG Guidelines, 2015. Collection method: clinical testing. Allele origin: unknown.

Ambry Genetics
Classification: Likely benign for Hereditary cancer-predisposing syndrome. Last evaluated: 2023-03-06. Review status: criteria provided, single submitter. Criteria: Ambry Variant Classification Scheme 2023. Collection method: clinical testing. Allele origin: germline.